The following is an entry in ClinVar:

ClinVar aggregate classification (germline): Pathogenic/Likely pathogenic. Review status: criteria provided, multiple submitters, no conflicts (2 of 4 stars). 7 submissions from 7 submitters: Pathogenic (5); Likely pathogenic (2). Last evaluated 2026-09-01.

Conditions:
NF1-related disorder. Also called: NF1-related condition. Identifiers: MedGen CN379171.
Hereditary cancer-predisposing syndrome. Also called: Neoplastic Syndromes, Hereditary; Tumor predisposition; Hereditary neoplastic syndrome; Hereditary Cancer Syndrome. Identifiers: Orphanet 140162, MedGen C0027672, MeSH D009386, MONDO:0015356.
Cardiovascular phenotype. Identifiers: MedGen CN230736.
Neurofibromatosis, type 1 (NF1). Also called: VON RECKLINGHAUSEN DISEASE; Neurofibromatosis, type I; NEUROFIBROMATOSIS, TYPE I, SOMATIC; Peripheral type neurofibromatosis. Identifiers: Orphanet 636, MedGen C0027831, MONDO:0018975, OMIM 162200. Disease mechanism: loss of function.

Submissions (7):

CeGaT Center for Human Genetics Tuebingen
Classification: Pathogenic. Last evaluated: 2026-09-01. Review status: criteria provided, single submitter. Criteria: CeGaT Center For Human Genetics Tuebingen Variant Classification Criteria Version 2. Collection method: clinical testing. Allele origin: germline. Affected: yes. Observed: 1 variant allele.
Comment: NF1: PVS1, PM2, PM6, PS4:Moderate

Victorian Clinical Genetics Services, Murdoch Childrens Research Institute
Classification: Pathogenic for Neurofibromatosis, type 1. Last evaluated: 2025-05-29. Review status: criteria provided, single submitter. Criteria: ACMG Guidelines, 2015. Collection method: clinical testing. Allele origin: germline.
Comment: This variant is classified as Pathogenic. Evidence in support of pathogenic classification: Non-coding variant with known effect. RNA studies have shown that this variant creates a cryptic splice site, leading to the inclusion of 105 intronic nucleotides (PMID: 37186028, 27322474); Variant is absent from gnomAD (v2, v3 and v4); This variant has strong previous evidence of pathogenicity in unrelated individuals. This variant has been classified as pathogenic or likely pathogenic by clinical laboratories in ClinVar, and has been reported in several unrelated individuals with neurofibromatosis type 1 in the literature (PMIDs: 27322474, 31678437, 18041031, 37186028); This variant has limited evidence for segregation with disease. This variant has been shown to segregate with disease in four affected members of one family with neurofibromatosis type 1 (PMID: 31678437). Additional information: This gene is associated with autosomal dominant disease; No comparable non-coding variants have previous evidence for pathogenicity; Loss of function is a known mechanism of disease in this gene and is associated with neurofibromatosis, type 1 (MONDO:0018975); Variants in this gene are known to have variable expressivity. Disease manifestation can be extremely variable, even within a family (PMID: 20301288).

Blueprint Genetics
Classification: Pathogenic for NF1-related disorders. Last evaluated: 2024-03-11. Review status: criteria provided, single submitter. Criteria: ACMG Guidelines, 2015. Collection method: clinical testing. Allele origin: germline. Affected: yes. Observed: 2 variant alleles.

Ambry Genetics
Classification: Pathogenic for Cardiovascular phenotype; Hereditary cancer-predisposing syndrome. Last evaluated: 2023-07-27. Review status: criteria provided, single submitter. Criteria: Ambry Variant Classification Scheme 2023. Collection method: clinical testing. Allele origin: germline.
Comment: The c.4110+945A>G intronic pathogenic mutation results from an A to G substitution 945 nucleotides after coding exon 30 in the NF1 gene. This alteration has been reported in numerous individuals with a clinical diagnosis of neurofibromatosis type 1 (NF1) (Brinckmann A et al. Electrophoresis, 2007 Dec;28:4295-301; Evans DG et al. EBioMedicine, 2016 May;7:212-20; Zhou S et al. World Neurosurg, 2020 Feb;134:434-437). This nucleotide position is highly conserved in available vertebrate species. In silico splice site analysis predicts that this alteration will result in the creation or strengthening of a novel splice donor site. Functional RNA studies have demonstrated that this alteration results in abnormal splicing that is expected to trigger nonsense-mediated mRNA decay (Brinckmann A et al. Electrophoresis, 2007 Dec;28:4295-301; Ambry internal data). This variant is considered to be rare based on population cohorts in the Genome Aggregation Database (gnomAD). Based on the supporting evidence, this alteration is interpreted as a disease-causing mutation.

Undiagnosed Diseases Network, NIH
Classification: Pathogenic for Neurofibromatosis, type 1. Last evaluated: 2020-06-29. Review status: criteria provided, single submitter. Criteria: ACMG Guidelines, 2015. Collection method: clinical testing. Allele origin: de novo. Inheritance: Autosomal dominant inheritance. Affected: yes. Observed: 1 variant allele, 1 heterozygote. Study: Undiagnosed Diseases Network (NIH), UDN.

Department of Pathology and Laboratory Medicine, Sinai Health System
Classification: Likely pathogenic for neurofibromatosis type 1. Review status: criteria provided, single submitter. Criteria: ACMG Guidelines, 2015. Collection method: clinical testing. Allele origin: germline.

Laboratory of Functional Genomics, Research Centre for Medical Genetics
Classification: Likely pathogenic for Neurofibromatosis, type 1. Review status: criteria provided, single submitter. Criteria: ACMG Guidelines, 2015. Collection method: clinical testing. Allele origin: de novo. Inheritance: Autosomal dominant inheritance. Affected: yes. Observed: 1 variant allele, 1 heterozygote.
Comment: This variant is absent from the gnomAD population database, and the affected genomic position is highly conserved across species. SpliceAI predicts the creation of new donor splice site. RNA analysis demonstrated that the variant leads to pseudoexon inclusion, resulting in a frameshift (NP_000258.1:p.(Val1371_Val2818delinsSerHisArgSerHisLeuLeuPhe)). This variant was also previously reported by Koczkowska et al. (Hum Genet, 2023). Based on the available evidence, the variant can be classified as likely pathogenic (PM2, PS3, PP4).

Literature cited by the submitters: PubMed 18041031 (cited by Victorian Clinical Genetics Services, Murdoch Childrens Research Institute); PubMed 27322474 (cited by Victorian Clinical Genetics Services, Murdoch Childrens Research Institute); PubMed 31678437 (cited by Victorian Clinical Genetics Services, Murdoch Childrens Research Institute); PubMed 20301288 (cited by Victorian Clinical Genetics Services, Murdoch Childrens Research Institute); PubMed 37186028 (cited by Victorian Clinical Genetics Services, Murdoch Childrens Research Institute and Laboratory of Functional Genomics, Research Centre for Medical Genetics).

NM_001042492.3(NF1):c.4110+945A>G

Gene: NF1 (neurofibromin 1; plus strand). Cytogenetic location: 17q11.2.
Variant type: single nucleotide variant.
Coding change: c.4110+945A>G on transcript NM_001042492.3 (MANE Select); 945 bases into the intron after coding-DNA position 4110, A replaced by G.
Molecular consequence: intron variant.
Genome position (GRCh38, 1-based): chr17:31,250,064, A>G. VCF-style: chr17-31250064-A-G. GRCh37 (hg19) VCF-style: chr17-29577082-A-G.
Other names: c.4110+945A>G (NM_000267.4).
Identifiers: ClinVar variation 978032 (VCV000978032.9), dbSNP rs2067468999, ClinGen allele CA1139665367.
Genomic context (GRCh38, chr17:31,250,064, plus strand): 5'-GACGTTAACAGCATCATTGAAATCACCATTTTAAAAGCTGTTTGAGGCTGCTCTATGTGA[A>G]TTTTTTCACCATTGCTATTTTTAAAGATGTATCTGTTCTATCTGTAAAAAAGCTTTTCAC-3'